The following is an entry in ClinVar:

ClinVar aggregate classification (germline): Uncertain significance (1 of 4 stars; one submission).

Conditions:
Landau-Kleffner syndrome (FESD). Also called: EPILEPSY, FOCAL, WITH SPEECH DISORDER AND WITH OR WITHOUT MENTAL RETARDATION; APHASIA, ACQUIRED, WITH EPILEPSY. Identifiers: Orphanet 1945, Orphanet 725, Orphanet 98818, MedGen C0282512, MONDO:0009509, OMIM 245570.

gnomAD v4.1: 2 of 1,614,106 alleles (0.00012%); highest among the groups gnomAD compares: Non-Finnish European, 0.00017%; no homozygotes.

Submission:

Labcorp Genetics (formerly Invitae), Labcorp
Classification: Uncertain significance for Landau-Kleffner syndrome. Last evaluated: 2025-07-31. Review status: criteria provided, single submitter. Criteria: Invitae Variant Classification Sherloc (09022015). Collection method: clinical testing. Allele origin: germline.
Comment: This sequence change replaces histidine, which is basic and polar, with tyrosine, which is neutral and polar, at codon 1227 of the GRIN2A protein (p.His1227Tyr). This variant is present in population databases (rs772873242, gnomAD 0.0009%). This variant has not been reported in the literature in individuals affected with GRIN2A-related conditions. Invitae Evidence Modeling of protein sequence and biophysical properties (such as structural, functional, and spatial information, amino acid conservation, physicochemical variation, residue mobility, and thermodynamic stability) indicates that this missense variant is not expected to disrupt GRIN2A protein function with a negative predictive value of 95%. In summary, the available evidence is currently insufficient to determine the role of this variant in disease. Therefore, it has been classified as a Variant of Uncertain Significance.

NM_001134407.3(GRIN2A):c.3679C>T (p.His1227Tyr)

Gene: GRIN2A (glutamate ionotropic receptor NMDA type subunit 2A; minus strand). Cytogenetic location: 16p13.2.
Variant type: single nucleotide variant.
Coding change: c.3679C>T on transcript NM_001134407.3 (MANE Select); coding-DNA position 3679, C replaced by T.
Protein change: p.His1227Tyr; replaces histidine 1227 with tyrosine.
Molecular consequence: missense variant.
Genome position (GRCh38, 1-based): chr16:9,763,865, G>A on the plus strand (C>T on the coding strand, the complement: GRIN2A is on the minus strand). VCF-style: chr16-9763865-G-A. GRCh37 (hg19) VCF-style: chr16-9857722-G-A.
Other names: c.3679C>T, p.His1227Tyr (NM_000833.5, NM_001134408.2); short protein forms H1227Y.
Identifiers: ClinVar variation 4802910 (VCV004802910.1).